The following is an entry in ClinVar:

ClinVar aggregate classification (germline): Uncertain significance (1 of 4 stars; one submission).

Submission:

Labcorp Genetics (formerly Invitae), Labcorp
Classification: Uncertain significance. Last evaluated: 2022-04-21. Review status: criteria provided, single submitter. Criteria: Invitae Variant Classification Sherloc (09022015). Collection method: clinical testing. Allele origin: germline.
Comment: In summary, the available evidence is currently insufficient to determine the role of this variant in disease. Therefore, it has been classified as a Variant of Uncertain Significance. Experimental studies and prediction algorithms are not available or were not evaluated, and the effect of this variant on mRNA splicing is currently unknown. This variant has not been reported in the literature in individuals affected with EEF2-related conditions. Information on the frequency of this variant in the gnomAD database is not available, as this variant may be reported differently in the database. This sequence change falls in intron 2 of the EEF2 gene. It does not directly change the encoded amino acid sequence of the EEF2 protein.

NM_001961.4(EEF2):c.219-14_219-13delinsTT

Gene: EEF2 (eukaryotic translation elongation factor 2; minus strand). Cytogenetic location: 19p13.3.
Variant type: Indel.
Coding change: c.219-14_219-13delinsTT on transcript NM_001961.4 (MANE Select); 14 bases into the intron before coding-DNA position 219 through 13 bases into the intron before coding-DNA position 219, CC replaced by TT.
Molecular consequence: intron variant.
Genome position (GRCh38, 1-based): chr19:3,983,304-3,983,305, GG replaced by AA on the plus strand (CC replaced by TT on the coding strand, the reverse complement: EEF2 is on the minus strand). VCF-style: chr19-3983304-GG-AA. GRCh37 (hg19) VCF-style: chr19-3983302-GG-AA.
Identifiers: ClinVar variation 1932612 (VCV001932612.5), dbSNP rs2512207125, ClinGen allele CA2580096966.
Genomic context (GRCh38, chr19:3,983,304, plus strand): 5'-ATGAAGTTCAAGTCATTCTCCGAGAGCTCGTAGAAGAGGGAGATGGCACTGATGGAGGGA[GG>AA]GACTCGTCAGGGGGACAGGAGCCACACACCTGGCCCAGGGAGTCTGGGATGCTGTCAGAA-3'